The following is an entry in ClinVar:

ClinVar aggregate classification (germline): Uncertain significance (1 of 4 stars; one submission).

Submission:

Labcorp Genetics (formerly Invitae), Labcorp
Classification: Uncertain significance. Last evaluated: 2022-04-29. Review status: criteria provided, single submitter. Criteria: Invitae Variant Classification Sherloc (09022015). Collection method: clinical testing. Allele origin: germline.
Comment: This variant has not been reported in the literature in individuals affected with KISS1R-related conditions. This sequence change falls in intron 4 of the KISS1R gene. It does not directly change the encoded amino acid sequence of the KISS1R protein. This variant is not present in population databases (gnomAD no frequency). Algorithms developed to predict the effect of sequence changes on RNA splicing suggest that this variant may disrupt the consensus splice site. In summary, the available evidence is currently insufficient to determine the role of this variant in disease. Therefore, it has been classified as a Variant of Uncertain Significance.

NM_032551.5(KISS1R):c.739-4C>A

Gene: KISS1R (KISS1 receptor; plus strand). Cytogenetic location: 19p13.3.
Variant type: single nucleotide variant.
Coding change: c.739-4C>A on transcript NM_032551.5 (MANE Select); 4 bases into the intron before coding-DNA position 739, C replaced by A.
Molecular consequence: intron variant.
Genome position (GRCh38, 1-based): chr19:920,286, C>A. VCF-style: chr19-920286-C-A. GRCh37 (hg19) VCF-style: chr19-920286-C-A.
Identifiers: ClinVar variation 1914414 (VCV001914414.5), dbSNP rs1016739677, ClinGen allele CA2580097002.